The following is an entry in ClinVar:

NM_015450.3(POT1):c.1006+3A>G

Gene: POT1 (protection of telomeres 1; minus strand). Cytogenetic location: 7q31.33.
Variant type: single nucleotide variant.
Coding change: c.1006+3A>G on transcript NM_015450.3 (MANE Select); 3 bases into the intron after coding-DNA position 1006, A replaced by G.
Molecular consequence: intron variant.
Genome position (GRCh38, 1-based): chr7:124,846,939, T>C on the plus strand (A>G on the coding strand, the complement: POT1 is on the minus strand). VCF-style: chr7-124846939-T-C. GRCh37 (hg19) VCF-style: chr7-124486993-T-C.
Other names: c.613+3A>G (NM_001042594.2).
Identifiers: ClinVar variation 1474722 (VCV001474722.8), dbSNP rs2116483768, ClinGen allele CA2573141550.

ClinVar aggregate classification (germline): Uncertain significance. Review status: criteria provided, multiple submitters, no conflicts (2 of 4 stars). 2 submissions from 2 submitters: Uncertain significance (2). Last evaluated 2021-09-04.

Conditions:
Tumor predisposition syndrome 3 (TPDS3). Also called: Melanoma, cutaneous malignant, susceptibility to, 10; LONG TELOMERE SYNDROME, POT1-RELATED; POT1 Tumor Predisposition; Glioma susceptibility 9. Identifiers: Orphanet 618, MedGen C4014476, MONDO:0014368, OMIM 615848.
Hereditary cancer-predisposing syndrome. Also called: Tumor predisposition; Neoplastic Syndromes, Hereditary; Hereditary Cancer Syndrome; Hereditary neoplastic syndrome. Identifiers: Orphanet 140162, MedGen C0027672, MeSH D009386, MONDO:0015356.

Submissions (2):

Labcorp Genetics (formerly Invitae), Labcorp
Classification: Uncertain significance for Tumor predisposition syndrome 3. Last evaluated: 2021-09-04. Review status: criteria provided, single submitter. Criteria: Invitae Variant Classification Sherloc (09022015). Collection method: clinical testing. Allele origin: germline.
Comment: In summary, the available evidence is currently insufficient to determine the role of this variant in disease. Therefore, it has been classified as a Variant of Uncertain Significance. Variants that disrupt the consensus splice site are a relatively common cause of aberrant splicing (PMID: 17576681, 9536098). Algorithms developed to predict the effect of sequence changes on RNA splicing suggest that this variant may disrupt the consensus splice site. This variant has not been reported in the literature in individuals affected with POT1-related conditions. This variant is not present in population databases (ExAC no frequency). This sequence change falls in intron 12 of the POT1 gene. It does not directly change the encoded amino acid sequence of the POT1 protein. It affects a nucleotide within the consensus splice site of the intron.

Ambry Genetics
Classification: Uncertain significance for Hereditary cancer-predisposing syndrome. Last evaluated: 2020-11-16. Review status: criteria provided, single submitter. Criteria: Ambry Variant Classification Scheme 2023. Collection method: clinical testing. Allele origin: germline.
Comment: The c.1006+3A>G intronic variant results from an A to G substitution 3 nucleotides after coding exon 8 in the POT1 gene. This nucleotide position is highly conserved in available vertebrate species. In silico splice site analysis predicts that this alteration will weaken the native splice donor site. Since supporting evidence is limited at this time, the clinical significance of this alteration remains unclear.

Literature cited by the submitters: PubMed 17576681 (cited by Labcorp Genetics (formerly Invitae), Labcorp); PubMed 9536098 (cited by Labcorp Genetics (formerly Invitae), Labcorp).